The following is an entry in ClinVar:

ClinVar aggregate classification (germline): Conflicting classifications of pathogenicity. Review status: criteria provided, conflicting classifications (1 of 4 stars). 2 submissions from 2 submitters: Uncertain significance (1); Likely benign (1). Last evaluated 2024-07-23.

Conditions:
Schimke immuno-osseous dysplasia (SIOD). Also called: Schimke Immunoosseous Dysplasia. Identifiers: Orphanet 1830, MedGen C0877024, MONDO:0009458, OMIM 242900.
Inborn genetic diseases. Identifiers: MedGen C0950123, MeSH D030342.

Allele frequency attached by ClinVar (database versions not stated): gnomAD exomes below 0.00001; gnomAD 0.00001; TOPMed 0.00001; ESP Exome Variant Server 0.00008.
gnomAD v4.1: 9 of 1,614,064 alleles (0.00056%); highest among the groups gnomAD compares: South Asian, 0.0033%; no homozygotes.

Submissions (2):

Ambry Genetics
Classification: Likely benign for Inborn genetic diseases. Last evaluated: 2024-07-23. Review status: criteria provided, single submitter. Criteria: Ambry Variant Classification Scheme 2023. Collection method: clinical testing. Allele origin: germline.

Labcorp Genetics (formerly Invitae), Labcorp
Classification: Uncertain significance for Schimke immuno-osseous dysplasia. Last evaluated: 2021-08-28. Review status: criteria provided, single submitter. Criteria: Invitae Variant Classification Sherloc (09022015). Collection method: clinical testing. Allele origin: germline.
Comment: This sequence change replaces methionine with threonine at codon 897 of the SMARCAL1 protein (p.Met897Thr). The methionine residue is weakly conserved and there is a moderate physicochemical difference between methionine and threonine. This variant is not present in population databases (ExAC no frequency). This variant has not been reported in the literature in individuals affected with SMARCAL1-related conditions. Algorithms developed to predict the effect of missense changes on protein structure and function output the following: SIFT: "Tolerated"; PolyPhen-2: "Benign"; Align-GVGD: "Class C0". The threonine amino acid residue is found in multiple mammalian species, which suggests that this missense change does not adversely affect protein function. In summary, the available evidence is currently insufficient to determine the role of this variant in disease. Therefore, it has been classified as a Variant of Uncertain Significance.

NM_014140.4(SMARCAL1):c.2690T>C (p.Met897Thr)

Gene: SMARCAL1 (SNF2 related chromatin remodeling annealing helicase 1; plus strand). Cytogenetic location: 2q35.
Variant type: single nucleotide variant.
Coding change: c.2690T>C on transcript NM_014140.4 (MANE Select); coding-DNA position 2690, T replaced by C.
Protein change: p.Met897Thr; replaces methionine 897 with threonine.
Molecular consequence: missense variant.
Genome position (GRCh38, 1-based): chr2:216,482,802, T>C. VCF-style: chr2-216482802-T-C. GRCh37 (hg19) VCF-style: chr2-217347525-T-C.
Other names: c.2690T>C, p.Met897Thr (NM_001127207.2); c.2690T>C (NM_014140.3); short protein forms M897T.
Identifiers: ClinVar variation 1364489 (VCV001364489.6), dbSNP rs140370927, ClinGen allele CA65622899.